The following is an entry in ClinVar:

ClinVar aggregate classification (germline): Uncertain significance (1 of 4 stars; one submission).

Conditions:
Hereditary cancer-predisposing syndrome. Also called: Tumor predisposition; Neoplastic Syndromes, Hereditary; Hereditary neoplastic syndrome; Hereditary Cancer Syndrome. Identifiers: Orphanet 140162, MedGen C0027672, MeSH D009386, MONDO:0015356.

Submission:

Ambry Genetics
Classification: Uncertain significance for Hereditary cancer-predisposing syndrome. Last evaluated: 2025-08-27. Review status: criteria provided, single submitter. Criteria: Ambry Variant Classification Scheme 2023. Collection method: clinical testing. Allele origin: germline.
Comment: The p.S371R variant (also known as c.1111A>C), located in coding exon 12 of the MUTYH gene, results from an A to C substitution at nucleotide position 1111. The serine at codon 371 is replaced by arginine, an amino acid with dissimilar properties. This amino acid position is conserved. In addition, this alteration is predicted to be tolerated by in silico analysis. Based on the available evidence, the clinical significance of this variant remains unclear.

NM_001048174.2(MUTYH):c.1027A>C (p.Ser343Arg)

Gene: MUTYH (mutY DNA glycosylase; minus strand). Cytogenetic location: 1p34.1.
Variant type: single nucleotide variant.
Coding change: c.1027A>C on transcript NM_001048174.2 (MANE Select); coding-DNA position 1027, A replaced by C.
Protein change: p.Ser343Arg; replaces serine 343 with arginine.
Molecular consequence: missense variant. On other transcripts: non-coding transcript variant (7).
Genome position (GRCh38, 1-based): chr1:45,331,736, T>G on the plus strand (A>C on the coding strand, the complement: MUTYH is on the minus strand). VCF-style: chr1-45331736-T-G. GRCh37 (hg19) VCF-style: chr1-45797408-T-G.
Other names: c.1027A>C, p.Ser343Arg (NM_001048171.2, NM_001048173.2, NM_001407088.1 and 6 more transcripts); c.1030A>C, p.Ser344Arg (NM_001048172.2, NM_001407086.1, NM_001407078.1 and 1 more transcripts); c.1111A>C, p.Ser371Arg (NM_001128425.2); c.1072A>C, p.Ser358Arg (NM_001293190.2); c.1069A>C, p.Ser357Arg (NM_001407083.1, NM_001407085.1); c.1048A>C, p.Ser350Arg (NM_001407087.1); c.751A>C, p.Ser251Arg (NM_001407091.1, NM_001293192.2, NM_001293196.2); c.1102A>C, p.Ser368Arg (NM_012222.3); and 5 more; short protein forms S251R, S330R, S344R, S368R, S228R, S329R, S354R, S371R.
Identifiers: ClinVar variation 4113027 (VCV004113027.1).